The following is an entry in ClinVar:

ClinVar aggregate classification (germline): Uncertain significance. Review status: criteria provided, multiple submitters, no conflicts (2 of 4 stars). 11 submissions from 11 submitters: Uncertain significance (8). 3 of the submissions do not count toward it. Last evaluated 2026-05-01.

Conditions:
Cataract 41 (CTRCT41). Also called: CATARACT 41, CONGENITAL NUCLEAR TYPE. Identifiers: Orphanet 91492, Orphanet 98991, Orphanet 98992, Orphanet 98995, MedGen C3805412, MONDO:0007287, OMIM 116400.
Type 2 diabetes mellitus. Also called: Type II diabetes mellitus. Identifiers: MedGen C0011860, MeSH D003924, MONDO:0005148, OMIM 125853, HP:0005978.
Autosomal dominant nonsyndromic hearing loss 6 (LFSNHL). Also called: Autosomal dominant nonsyndromic deafness 6; DEAFNESS, AUTOSOMAL DOMINANT 6; DEAFNESS, AUTOSOMAL DOMINANT 14; DEAFNESS, AUTOSOMAL DOMINANT 38. Identifiers: Orphanet 90635, MedGen C1833021, MONDO:0010963, OMIM 600965.
Wolfram-like syndrome. Also called: HEARING LOSS, PROGRESSIVE, WITH OPTIC ATROPHY AND/OR IMPAIRED GLUCOSE REGULATION. Identifiers: Orphanet 411590, MedGen C3280358, MONDO:0013673, OMIM 614296.
Wolfram syndrome 1 (WFS1). Identifiers: Orphanet 3463, MedGen C4551693, MONDO:0009101, OMIM 222300.
Monogenic diabetes. Identifiers: Orphanet 183625, MedGen C3888631, MONDO:0015967.
Retinal dystrophy. Also called: Inherited retinal dystrophy. Identifiers: Orphanet 71862, MedGen C0854723, MeSH D058499, MONDO:0019118, HP:0000556.

Allele frequency attached by ClinVar (database versions not stated): gnomAD 0.00028 and 0.00029; ESP Exome Variant Server 0.00031; gnomAD exomes 0.00034 and 0.00023; 1000 Genomes Project 30x 0.00016; ExAC 0.00026; TOPMed 0.00027.
gnomAD v4.1: 538 of 1,614,082 alleles (0.033%); highest among the groups gnomAD compares: Non-Finnish European, 0.044%; no homozygotes.

Submissions (11):

CeGaT Center for Human Genetics Tuebingen
Classification: Uncertain significance. Last evaluated: 2026-05-01. Review status: criteria provided, single submitter. Criteria: CeGaT Center For Human Genetics Tuebingen Variant Classification Criteria Version 2. Collection method: clinical testing. Allele origin: germline. Affected: yes. Observed: 2 variant alleles.
Comment: WFS1: PM2, PM3

Labcorp Genetics (formerly Invitae), Labcorp
Classification: Uncertain significance. Last evaluated: 2026-01-15. Review status: criteria provided, single submitter. Criteria: Invitae Variant Classification Sherloc (09022015). Collection method: clinical testing. Allele origin: germline.
Comment: This sequence change replaces arginine, which is basic and polar, with histidine, which is basic and polar, at codon 375 of the WFS1 protein (p.Arg375His). This variant is present in population databases (rs142671083, gnomAD 0.05%). This missense change has been observed in individual(s) with WFS1-related coditions (PMID: 31264968, 31638168). ClinVar contains an entry for this variant (Variation ID: 504709). Invitae Evidence Modeling of protein sequence and biophysical properties (such as structural, functional, and spatial information, amino acid conservation, physicochemical variation, residue mobility, and thermodynamic stability) has been performed for this missense variant. However, the output from this modeling did not meet the statistical confidence thresholds required to predict the impact of this variant on WFS1 protein function. In summary, the available evidence is currently insufficient to determine the role of this variant in disease. Therefore, it has been classified as a Variant of Uncertain Significance.

GeneDx
Classification: Uncertain significance. Last evaluated: 2026-01-09. Review status: criteria provided, single submitter. Criteria: GeneDx Variant Classification Process June 2021. Collection method: clinical testing. Allele origin: germline. Affected: yes.
Comment: Identified as heterozygous without a second variant in WFS1 in individuals with diabetes who had different genetic etiologies for their phenotypes (PMID: 31264968, 31638168); In silico analysis supports that this missense variant has a deleterious effect on protein structure/function; This variant is associated with the following publications: (PMID: 34426522, 26435059, 31638168, 31264968, 37444722, 32483926, 36672845)

Blueprint Genetics
Classification: Uncertain significance. Last evaluated: 2024-11-11. Review status: criteria provided, single submitter. Criteria: ACMG Guidelines, 2015. Collection method: clinical testing. Allele origin: germline.

Fulgent Genetics
Classification: Uncertain significance for Cataract 41; Type 2 diabetes mellitus; Wolfram syndrome 1; Autosomal dominant nonsyndromic hearing loss 6; Wolfram-like syndrome. Last evaluated: 2022-05-05. Review status: criteria provided, single submitter. Criteria: ACMG Guidelines, 2015. Collection method: clinical testing. Allele origin: unknown.

Institute of Human Genetics, Univ. Regensburg, Univ. Regensburg
Classification: Uncertain significance for Retinal dystrophy. Last evaluated: 2022-01-01. Review status: criteria provided, single submitter. Criteria: ACMG Guidelines, 2015. Collection method: clinical testing. Allele origin: germline. Affected: yes.

Personalized Diabetes Medicine Program, University of Maryland School of Medicine
Classification: Uncertain significance for Monogenic diabetes. Last evaluated: 2018-09-05. Review status: criteria provided, single submitter. Criteria: ACMG Guidelines, 2015. Collection method: research. Allele origin: unknown. Observed: 1 variant allele, 1 heterozygote.
Comment: ACMG criteria: PP3 (10 predictors, REVEL=0.818 )=VUS

Laboratory for Molecular Medicine, Mass General Brigham Personalized Medicine
Classification: Uncertain significance. Last evaluated: 2017-09-14. Review status: criteria provided, single submitter. Criteria: LMM Criteria. Collection method: clinical testing. Allele origin: germline. Observed: 3 variant alleles.
Comment: This variant has also been identified in 60/ 126648 European chromosomes by the Genome Aggregation Database (gnomAD; dbSNP rs142671083); however, its frequency is not high enough to rule out a pathogenic role. Computational prediction tools and conser vation analyses do not provide strong support for or against an impact to the pr otein. In summary, the clinical significance of the p.Arg375His variant is uncer tain.

Clinical Genetics DNA and cytogenetics Diagnostics Lab, Erasmus MC, Erasmus Medical Center
Classification: Uncertain significance. Review status: no assertion criteria provided. Collection method: clinical testing. Allele origin: germline. Affected: yes. Study: VKGL Data-share Consensus. Not counted in ClinVar's aggregate classification.

Diagnostic Laboratory, Department of Genetics, University Medical Center Groningen
Classification: Uncertain significance. Review status: no assertion criteria provided. Collection method: clinical testing. Allele origin: germline. Affected: yes. Study: VKGL Data-share Consensus. Not counted in ClinVar's aggregate classification.

Laboratory of Diagnostic Genome Analysis, Leiden University Medical Center (LUMC)
Classification: Uncertain significance. Review status: no assertion criteria provided. Collection method: clinical testing. Allele origin: germline. Affected: yes. Study: VKGL Data-share Consensus. Not counted in ClinVar's aggregate classification.

Literature cited by the submitters: PubMed 31264968 (cited by Labcorp Genetics (formerly Invitae), Labcorp and Institute of Human Genetics, Univ. Regensburg, Univ. Regensburg); PubMed 31638168 (cited by Labcorp Genetics (formerly Invitae), Labcorp and Institute of Human Genetics, Univ. Regensburg, Univ. Regensburg); PubMed 32483926 (cited by Institute of Human Genetics, Univ. Regensburg, Univ. Regensburg); PubMed 34426522 (cited by Institute of Human Genetics, Univ. Regensburg, Univ. Regensburg).

NM_006005.3(WFS1):c.1124G>A (p.Arg375His)

Gene: WFS1 (wolframin ER transmembrane glycoprotein; plus strand). Cytogenetic location: 4p16.1.
Variant type: single nucleotide variant.
Coding change: c.1124G>A on transcript NM_006005.3 (MANE Select); coding-DNA position 1124, G replaced by A.
Protein change: p.Arg375His; replaces arginine 375 with histidine.
Molecular consequence: missense variant.
Genome position (GRCh38, 1-based): chr4:6,300,919, G>A. VCF-style: chr4-6300919-G-A. GRCh37 (hg19) VCF-style: chr4-6302646-G-A.
Other names: c.1124G>A, p.Arg375His (NM_001145853.1); short protein forms R375H.
Identifiers: ClinVar variation 504709 (VCV000504709.65), dbSNP rs142671083, ClinGen allele CA2839225.